The following is an entry in ClinVar:

ClinVar aggregate classification (germline): Benign. Review status: reviewed by expert panel (3 of 4 stars). 27 submissions from 25 submitters: Benign (1). 26 of the submissions do not count toward it. Last evaluated 2015-08-10.

Conditions:
Breast and/or ovarian cancer. Identifiers: MedGen CN221562.
Hereditary cancer-predisposing syndrome. Also called: Neoplastic Syndromes, Hereditary; Hereditary neoplastic syndrome; Tumor predisposition; Hereditary Cancer Syndrome. Identifiers: Orphanet 140162, MedGen C0027672, MeSH D009386, MONDO:0015356.
Hereditary breast ovarian cancer syndrome. Also called: Hereditary breast and/or ovarian cancer syndrome; Breast and ovarian cancer; BRCA1- and BRCA2-Associated Hereditary Breast and Ovarian Cancer; Hereditary breast and ovarian cancer; Hereditary breast and ovarian cancer syndrome; Hereditary breast and ovarian cancer syndrome (HBOC). Identifiers: Orphanet 145, MedGen C0677776, MeSH D061325, MONDO:0003582. Disease mechanism: loss of function.
Fanconi anemia complementation group D1. Also called: BRCA2-Related Fanconi Anemia. Identifiers: Orphanet 319462, MedGen C1838457, MONDO:0011584, OMIM 605724.
Breast-ovarian cancer, familial, susceptibility to, 2 (BROVCA2). Also called: BRCA2 Hereditary Breast and Ovarian Cancer. Identifiers: Orphanet 145, MedGen C2675520, MONDO:0012933, OMIM 612555. Disease mechanism: loss of function.
Familial cancer of breast. Also called: BREAST CANCER, FAMILIAL; Hereditary breast cancer; hereditary breast carcinoma. Identifiers: Orphanet 227535, MedGen C0346153, MONDO:0016419, OMIM 114480. Disease mechanism: loss of function.
Malignant tumor of breast. Also called: Cancer breast; Malignant breast neoplasm. Identifiers: MedGen C0006142, MONDO:0007254. Disease mechanism: loss of function.

Allele frequency attached by ClinVar (database versions not stated): gnomAD exomes 0.00010 and 0.00024; ExAC 0.00030; 1000 Genomes Project 30x 0.00047; 1000 Genomes Project 0.00060; ESP Exome Variant Server 0.00062; gnomAD 0.00095 and 0.00106; TOPMed 0.00121.
gnomAD v4.1: 293 of 1,613,262 alleles (0.018%); highest among the groups gnomAD compares: African/African-American, 0.28%; no homozygotes.

Submissions 1 to 21 of 27:

Evidence-based Network for the Interpretation of Germline Mutant Alleles (ENIGMA)
Classification: Benign for Breast-ovarian cancer, familial 2. Last evaluated: 2015-08-10. Review status: reviewed by expert panel. Criteria: ENIGMA BRCA1/2 Classification Criteria (2015). Collection method: curation. Allele origin: germline.
Comment: IARC class based on posterior probability from multifactorial likelihood analysis, thresholds for class as per Plon et al. 2008 (PMID: 18951446). Class 1 based on posterior probability = 0.00002

Labcorp Genetics (formerly Invitae), Labcorp
Classification: Benign for Hereditary breast ovarian cancer syndrome. Last evaluated: 2026-02-03. Review status: criteria provided, single submitter. Criteria: Invitae Variant Classification Sherloc (09022015). Collection method: clinical testing. Allele origin: germline. Not counted in ClinVar's aggregate classification.

Dasa
Classification: Likely benign for Breast-ovarian cancer, familial, susceptibility to, 2. Last evaluated: 2025-11-13. Review status: criteria provided, single submitter. Criteria: DASA Assertion Criteria. Collection method: clinical testing. Allele origin: germline. Not counted in ClinVar's aggregate classification.
Comment: NM_000059.4(BRCA2):c.9235G>A (p.Val3079Ile) is a missense variant that results in the substitution of valine with isoleucine. Population frequency is inconsistent with a disease-causing role for this variant, and functional evidence is consistent with no deleterious impact on the gene or gene product. Therefore, based on the currently available evidence, this variant is classified as likely benign.

KCCC/NGS Laboratory, Kuwait Cancer Control Center
Classification: Benign for Familial cancer of breast. Last evaluated: 2025-02-01. Review status: criteria provided, single submitter. Criteria: ACMG Guidelines, 2015. Collection method: clinical testing. Allele origin: germline. Affected: no. Not counted in ClinVar's aggregate classification.

Blueprint Genetics
Classification: Likely benign. Last evaluated: 2024-10-09. Review status: criteria provided, single submitter. Criteria: ACMG Guidelines, 2015. Collection method: clinical testing. Allele origin: germline. Not counted in ClinVar's aggregate classification.

ARUP Laboratories, Molecular Genetics and Genomics, ARUP Laboratories
Classification: Benign. Last evaluated: 2024-09-17. Review status: criteria provided, single submitter. Criteria: ARUP Molecular Germline Variant Investigation Process 2024. Collection method: clinical testing. Allele origin: germline. Not counted in ClinVar's aggregate classification.

KCCC/NGS Laboratory, Kuwait Cancer Control Center
Classification: Benign for Breast-ovarian cancer, familial, susceptibility to, 2. Last evaluated: 2023-07-07. Review status: criteria provided, single submitter. Criteria: ACMG Guidelines, 2015. Collection method: clinical testing. Allele origin: germline. Affected: yes. Not counted in ClinVar's aggregate classification.

CHEO Genetics Diagnostic Laboratory, Children's Hospital of Eastern Ontario
Classification: Benign for Breast and/or ovarian cancer. Last evaluated: 2023-06-29. Review status: criteria provided, single submitter. Criteria: ACMG Guidelines, 2015. Collection method: clinical testing. Allele origin: germline. Study: Canadian Open Genetics Repository. Not counted in ClinVar's aggregate classification.

National Health Laboratory Service, Universitas Academic Hospital and University of the Free State
Classification: Benign for Hereditary breast ovarian cancer syndrome. Last evaluated: 2022-04-19. Review status: criteria provided, single submitter. Criteria: ACMG Guidelines, 2015. Collection method: clinical testing. Allele origin: germline. Affected: yes. Observed: 17 variant alleles. Not counted in ClinVar's aggregate classification.

Genetics Program, Instituto Nacional de Cancer
Classification: Likely benign for Hereditary breast ovarian cancer syndrome. Last evaluated: 2021-11-01. Review status: criteria provided, single submitter. Criteria: ACMG Guidelines, 2015. Collection method: research. Allele origin: germline. Affected: yes. Not counted in ClinVar's aggregate classification.

Sema4
Classification: Likely benign for Hereditary cancer-predisposing syndrome. Last evaluated: 2020-09-16. Review status: criteria provided, single submitter. Criteria: Sema4 Curation Guidelines. Collection method: curation. Allele origin: germline. Not counted in ClinVar's aggregate classification.

Mendelics
Classification: Likely benign for Breast-ovarian cancer, familial, susceptibility to, 2. Last evaluated: 2019-05-28. Review status: criteria provided, single submitter. Criteria: Mendelics Assertion Criteria 2017. Collection method: clinical testing. Allele origin: unknown. Not counted in ClinVar's aggregate classification.

Genetic Services Laboratory, University of Chicago
Classification: Likely benign. Last evaluated: 2018-06-22. Review status: criteria provided, single submitter. Criteria: ACMG Guidelines, 2015. Collection method: clinical testing. Allele origin: germline. Affected: no. Not counted in ClinVar's aggregate classification.

GeneDx
Classification: Likely benign. Last evaluated: 2018-02-28. Review status: criteria provided, single submitter. Criteria: GeneDx Variant Classification (06012015). Collection method: clinical testing. Allele origin: germline. Affected: yes. Not counted in ClinVar's aggregate classification.
Comment: This variant is considered likely benign or benign based on one or more of the following criteria: it is a conservative change, it occurs at a poorly conserved position in the protein, it is predicted to be benign by multiple in silico algorithms, and/or has population frequency not consistent with disease.

Illumina Laboratory Services, Illumina
Classification: Uncertain significance for Fanconi anemia complementation group D1. Last evaluated: 2018-01-23. Review status: criteria provided, single submitter. Criteria: ICSL Variant Classification Criteria 13 December 2019. Collection method: clinical testing. Allele origin: germline. Not counted in ClinVar's aggregate classification.

Illumina Laboratory Services, Illumina
Classification: Likely benign for Breast-ovarian cancer, familial, susceptibility to, 2. Last evaluated: 2018-01-23. Review status: criteria provided, single submitter. Criteria: ICSL Variant Classification Criteria 13 December 2019. Collection method: clinical testing. Allele origin: germline. Not counted in ClinVar's aggregate classification.
Comment: This variant was observed as part of a predisposition screen in an ostensibly healthy population. A literature search was performed for the gene, cDNA change, and amino acid change (where applicable). Publications were found based on this search. The evidence from the literature, in combination with allele frequency data from public databases where available, was sufficient to determine this variant is unlikely to cause disease. Therefore, this variant is classified as likely benign.

Molecular Genetics Laboratory, University of Michigan
Classification: Likely benign for Breast-ovarian cancer, familial, susceptibility to, 2. Last evaluated: 2016-04-21. Review status: criteria provided, single submitter. Criteria: ACMG Guidelines, 2015. Collection method: clinical testing. Allele origin: germline. Affected: yes. Not counted in ClinVar's aggregate classification.

Eurofins Ntd Llc (ga)
Classification: Likely benign. Last evaluated: 2016-01-25. Review status: criteria provided, single submitter. Criteria: EGL Classification Definitions 2015. Collection method: clinical testing. Allele origin: germline. Observed: 3 variant alleles, 3 heterozygotes. Not counted in ClinVar's aggregate classification.

Genomic Diagnostic Laboratory, Division of Genomic Diagnostics, Children's Hospital of Philadelphia
Classification: Likely benign for Hereditary Breast and Ovarian Cancer. Last evaluated: 2015-11-30. Review status: criteria provided, single submitter. Criteria: DGD Variant Analysis Guidelines. Collection method: clinical testing. Allele origin: unknown. Not counted in ClinVar's aggregate classification.

Color Diagnostics, LLC DBA Color Health
Classification: Benign for Hereditary cancer-predisposing syndrome. Last evaluated: 2015-10-12. Review status: criteria provided, single submitter. Criteria: ACMG Guidelines, 2015. Collection method: clinical testing. Allele origin: germline. Not counted in ClinVar's aggregate classification.

Ambry Genetics
Classification: Benign for Hereditary cancer-predisposing syndrome. Last evaluated: 2014-11-19. Review status: criteria provided, single submitter. Criteria: Ambry Variant Classification Scheme 2023. Collection method: clinical testing. Allele origin: germline. Not counted in ClinVar's aggregate classification.

NM_000059.4(BRCA2):c.9235G>A (p.Val3079Ile)

Gene: BRCA2 (BRCA2 DNA repair associated; plus strand). Cytogenetic location: 13q13.1.
Variant type: single nucleotide variant.
Coding change: c.9235G>A on transcript NM_000059.4 (MANE Select); coding-DNA position 9235, G replaced by A.
Protein change: p.Val3079Ile; replaces valine 3079 with isoleucine.
Molecular consequence: missense variant.
Genome position (GRCh38, 1-based): chr13:32,380,124, G>A. VCF-style: chr13-32380124-G-A. GRCh37 (hg19) VCF-style: chr13-32954261-G-A.
Other names: p.V3079I:GTT>ATT; NP_000050.3:p.Val3079Ile; 9463G>A; short protein forms V3079I.
Identifiers: ClinVar variation 38220 (VCV000038220.88), dbSNP rs55933907, ClinGen allele CA026044.